The following is an entry in ClinVar:

NM_002474.3(MYH11):c.726+7A>G

Gene: MYH11 (myosin heavy chain 11; minus strand). Cytogenetic location: 16p13.11.
Variant type: single nucleotide variant.
Coding change: c.726+7A>G on transcript NM_002474.3 (MANE Select); 7 bases into the intron after coding-DNA position 726, A replaced by G.
Molecular consequence: intron variant.
Genome position (GRCh38, 1-based): chr16:15,782,378, T>C on the plus strand (A>G on the coding strand, the complement: MYH11 is on the minus strand). VCF-style: chr16-15782378-T-C. GRCh37 (hg19) VCF-style: chr16-15876235-T-C.
Other names: c.726+7A>G (NM_022844.3); c.747+7A>G (NM_001040114.2, NM_001040113.2).
Identifiers: ClinVar variation 392449 (VCV000392449.8), dbSNP rs1046382297, ClinGen allele CA16606896.

ClinVar aggregate classification (germline): Likely benign. Review status: criteria provided, multiple submitters, no conflicts (2 of 4 stars). 2 submissions from 2 submitters: Likely benign (2). Last evaluated 2025-12-23.

Conditions:
Aortic aneurysm, familial thoracic 4 (AAT4). Also called: AORTIC ANEURYSM/AORTIC DISSECTION AND PATENT DUCTUS ARTERIOSUS. Identifiers: MedGen C1851504, MONDO:0007568, OMIM 132900.

Allele frequency attached by ClinVar (database versions not stated): gnomAD 0.00003; TOPMed 0.00003; gnomAD exomes 0.00004.
gnomAD v4.1: 54 of 1,613,224 alleles (0.0033%); highest among the groups gnomAD compares: Non-Finnish European, 0.0045%; no homozygotes.

Submissions (2):

Labcorp Genetics (formerly Invitae), Labcorp
Classification: Likely benign for Aortic aneurysm, familial thoracic 4. Last evaluated: 2025-12-23. Review status: criteria provided, single submitter. Criteria: Invitae Variant Classification Sherloc (09022015). Collection method: clinical testing. Allele origin: germline.

GeneDx
Classification: Likely benign. Last evaluated: 2016-12-30. Review status: criteria provided, single submitter. Criteria: GeneDx Variant Classification (06012015). Collection method: clinical testing. Allele origin: germline. Affected: yes.
Comment: This variant is considered likely benign or benign based on one or more of the following criteria: it is a conservative change, it occurs at a poorly conserved position in the protein, it is predicted to be benign by multiple in silico algorithms, and/or has population frequency not consistent with disease.